The following is an entry in ClinVar:

ClinVar aggregate classification (germline): Likely pathogenic (1 of 4 stars; one submission).

Conditions:
Autosomal recessive limb-girdle muscular dystrophy type 2O. Also called: MUSCULAR DYSTROPHY-DYSTROGLYCANOPATHY (LIMB-GIRDLE), TYPE C, 3; MUSCULAR DYSTROPHY-DYSTROGLYCANOPATHY, LIMB-GIRDLE, POMGNT1-RELATED; Limb-Girdle Muscular Dystrophy Type 3C. Identifiers: Orphanet 206564, MedGen C3150417, MONDO:0013161, OMIM 613157.
Muscular dystrophy-dystroglycanopathy (congenital with impaired intellectual development), type B, 3. Also called: MUSCULAR DYSTROPHY, CONGENITAL, POMGNT1-RELATED; Muscular dystrophy-dystroglycanopathy (congenital with intellectual disability), type B3. Identifiers: MedGen C3150412, MONDO:0013155, OMIM 613151.

Submission:

Labcorp Genetics (formerly Invitae), Labcorp
Classification: Likely pathogenic for Autosomal recessive limb-girdle muscular dystrophy type 2O; Muscular dystrophy-dystroglycanopathy (congenital with impaired intellectual development), type B, 3. Last evaluated: 2022-11-29. Review status: criteria provided, single submitter. Criteria: Invitae Variant Classification Sherloc (09022015). Collection method: clinical testing. Allele origin: germline.
Comment: This sequence change replaces arginine, which is basic and polar, with leucine, which is neutral and non-polar, at codon 605 of the POMGNT1 protein (p.Arg605Leu). This variant is not present in population databases (gnomAD no frequency). This missense change has been observed in individual(s) with retinal dystrophy (Invitae). ClinVar contains an entry for this variant (Variation ID: 844855). Advanced modeling of protein sequence and biophysical properties (such as structural, functional, and spatial information, amino acid conservation, physicochemical variation, residue mobility, and thermodynamic stability) performed at Invitae indicates that this missense variant is expected to disrupt POMGNT1 protein function. This variant disrupts the p.Arg605 amino acid residue in POMGNT1. Other variant(s) that disrupt this residue have been determined to be pathogenic (PMID: 19679478, 21361872, 23689641, 24731844). This suggests that this residue is clinically significant, and that variants that disrupt this residue are likely to be disease-causing. In summary, the currently available evidence indicates that the variant is pathogenic, but additional data are needed to prove that conclusively. Therefore, this variant has been classified as Likely Pathogenic.

Literature cited by the submitters: PubMed 19679478; PubMed 21361872; PubMed 23689641; PubMed 24731844.

NM_017739.4(POMGNT1):c.1814G>T (p.Arg605Leu)

Genes: POMGNT1 (protein O-linked mannose N-acetylglucosaminyltransferase 1 (beta 1,2-); minus strand), TSPAN1 (tetraspanin 1; plus strand). Cytogenetic location: 1p34.1.
Variant type: single nucleotide variant.
Coding change: c.1814G>T on transcript NM_017739.4 (MANE Select); coding-DNA position 1814, G replaced by T.
Protein change: p.Arg605Leu; replaces arginine 605 with leucine.
Molecular consequence: missense variant.
Genome position (GRCh38, 1-based): chr1:46,189,539, C>A on the plus strand (G>T on the coding strand, the complement: POMGNT1 is on the minus strand). VCF-style: chr1-46189539-C-A. GRCh37 (hg19) VCF-style: chr1-46655211-C-A.
Other names: c.1814G>T, p.Arg605Leu (NM_001243766.2, NM_001410783.1); c.1748G>T, p.Arg583Leu (NM_001290129.3); c.1385G>T, p.Arg462Leu (NM_001290130.2); short protein forms R583L, R462L, R605L.
Identifiers: ClinVar variation 844855 (VCV000844855.8), dbSNP rs267606962, ClinGen allele CA340171027.
Genomic context (GRCh38, chr1:46,189,539, plus strand): 5'-CCCACCATCAGGAAGTGGTTCTTCTTCCGAAACAATCTCCACAGGCCCCGATGGTTGCCA[C>A]GCACATCCAGGTCCCAGATATGGAGGCACTAGTGAGGGTGGGATGGAGACAGAGACATGG-3'
Protein context (NP_060209.4, residues 595-615): KCLHIWDLDV[Arg605Leu]GNHRGLWRLF